The following is an entry in ClinVar:

NM_001286577.2(C2CD3):c.6156C>T (p.Asp2052=)

Gene: C2CD3 (C2 domain containing 3 centriole elongation regulator; minus strand). Cytogenetic location: 11q13.4.
Variant type: single nucleotide variant.
Coding change: c.6156C>T on transcript NM_001286577.2 (MANE Select); coding-DNA position 6156, C replaced by T.
Protein change: p.Asp2052=; no amino-acid change (aspartic acid 2052 retained).
Molecular consequence: synonymous variant.
Genome position (GRCh38, 1-based): chr11:74,034,004, G>A on the plus strand (C>T on the coding strand, the complement: C2CD3 is on the minus strand). VCF-style: chr11-74034004-G-A. GRCh37 (hg19) VCF-style: chr11-73745049-G-A.
Identifiers: ClinVar variation 2022189 (VCV002022189.4), dbSNP rs2496202199, ClinGen allele CA2580084874.
Genomic context (GRCh38, chr11:74,034,004, plus strand): 5'-CCTGGGCTCAATGATGTCTTCTTCATAGTCCTCATCACTGTAGGCTGGGCCTGCCTCAGT[G>A]TCTTCACTGCTCTGCATCCTTGTAATGGGTACTGCATGCCTCAGGGACTCATGGAGCATT-3'
Protein context (NP_001273506.1, residues 2042-2062): VPITRMQSSE[Asp2052=]TEAGPAYSDE

ClinVar aggregate classification (germline): Uncertain significance (1 of 4 stars; one submission).

Allele frequency attached by ClinVar (database versions not stated): gnomAD exomes below 0.00001.
gnomAD v4.1: 1 of 1,536,506 alleles (0.000065%); highest among the groups gnomAD compares: Non-Finnish European, 0.000087%; no homozygotes.

Submission:

Labcorp Genetics (formerly Invitae), Labcorp
Classification: Uncertain significance. Last evaluated: 2025-02-25. Review status: criteria provided, single submitter. Criteria: Invitae Variant Classification Sherloc (09022015). Collection method: clinical testing. Allele origin: germline.
Comment: The C2CD3 gene has multiple clinically relevant transcripts. This variant occurs in alternate transcript NM_001286577.1, and corresponds to NM_015531.5: c.*594C>T in the primary transcript. This sequence change affects codon 2052 of the C2CD3 mRNA. It is a 'silent' change, meaning that it does not change the encoded amino acid sequence of the C2CD3 protein. This variant is not present in population databases (gnomAD no frequency). This variant has been observed in individual(s) with C2CD3-related conditions (internal data). In at least one individual the data is consistent with being in trans (on the opposite chromosome) from a pathogenic variant. Experimental studies and prediction algorithms are not available or were not evaluated, and the effect of this variant on mRNA splicing is currently unknown. In summary, the available evidence is currently insufficient to determine the role of this variant in disease. Therefore, it has been classified as a Variant of Uncertain Significance.